The following is an entry in ClinVar:

ClinVar aggregate classification (germline): Likely pathogenic (1 of 4 stars; one submission).

Conditions:
Autosomal recessive limb-girdle muscular dystrophy type 2J (LGMDR10). Also called: Limb-girdle muscular dystrophy, type 2J; MUSCULAR DYSTROPHY, LIMB-GIRDLE, AUTOSOMAL RECESSIVE 10. Identifiers: Orphanet 140922, MedGen C1837342, MONDO:0012127, OMIM 608807.
Dilated cardiomyopathy 1G (CMD1G). Identifiers: Orphanet 154, MedGen C1858763, MONDO:0011400, OMIM 604145.

Submission:

Labcorp Genetics (formerly Invitae), Labcorp
Classification: Likely pathogenic for Dilated cardiomyopathy 1G; Autosomal recessive limb-girdle muscular dystrophy type 2J. Last evaluated: 2022-04-19. Review status: criteria provided, single submitter. Criteria: Invitae Variant Classification Sherloc (09022015). Collection method: clinical testing. Allele origin: germline.
Comment: This variant is not present in population databases (gnomAD no frequency). This sequence change creates a premature translational stop signal (p.Lys33262*) in the TTN gene. While this is not anticipated to result in nonsense mediated decay, it is expected to create a truncated TTN protein. This variant has not been reported in the literature in individuals affected with TTN-related conditions. In summary, the currently available evidence indicates that the variant is pathogenic, but additional data are needed to prove that conclusively. Therefore, this variant has been classified as Likely Pathogenic. This variant is located in the A band of TTN (PMID: 25589632). Truncating variants in this region are significantly overrepresented in patients affected with dilated cardiomyopathy (PMID: 25589632). Truncating variants in this region have also been reported in individuals affected with autosomal recessive centronuclear myopathy (PMID: 23975875). ClinVar contains an entry for this variant (Variation ID: 640859).

Literature cited by the submitters: PubMed 25589632; PubMed 23975875.

NM_001267550.2(TTN):c.99783dup (p.Lys33262Ter)

Genes: TTN-AS1 (TTN antisense RNA 1; plus strand), TTN (titin; minus strand), LOC126806420 (BRD4-independent group 4 enhancer GRCh37_chr2:179401104-179402303; plus strand). Cytogenetic location: 2q31.2.
Variant type: Duplication.
Coding change: c.99783dup on transcript NM_001267550.2 (MANE Select); coding-DNA position 99783, one base duplicated (T; older notation c.99783dupT).
Protein change: p.Lys33262Ter; replaces lysine 33262 with a stop codon.
Molecular consequence: nonsense. On other transcripts: non-coding transcript variant (1).
Genome position (GRCh38, 1-based): chr2:178,537,424, A duplicated on the plus strand (T on the coding strand, the reverse complement: TTN is on the minus strand). VCF-style (leftmost placement, unchanged base first): chr2-178537423-T-TA. GRCh37 (hg19) VCF-style: chr2-179402150-T-TA.
Other names: c.94860dup, p.Lys31621Ter (NM_001256850.1); c.72588dup, p.Lys24197Ter (NM_003319.4); c.92079dup, p.Lys30694Ter (NM_133378.4); c.72963dup, p.Lys24322Ter (NM_133432.3); c.73164dup, p.Lys24389Ter (NM_133437.4); short protein forms K24322*, K24389*, K24197*, K31621*, K33262*, K30694*.
Identifiers: ClinVar variation 640859 (VCV000640859.11), dbSNP rs1575324979, ClinGen allele CA915942145.